The following is an entry in ClinVar:

ClinVar aggregate classification (germline): Uncertain significance (1 of 4 stars; one submission).

Conditions:
Hereditary cancer-predisposing syndrome. Also called: Tumor predisposition; Neoplastic Syndromes, Hereditary; Hereditary neoplastic syndrome; Hereditary Cancer Syndrome. Identifiers: Orphanet 140162, MedGen C0027672, MeSH D009386, MONDO:0015356.

Submission:

Ambry Genetics
Classification: Uncertain significance for Hereditary cancer-predisposing syndrome. Last evaluated: 2025-08-27. Review status: criteria provided, single submitter. Criteria: Ambry Variant Classification Scheme 2023. Collection method: clinical testing. Allele origin: germline.
Comment: The p.S371G variant (also known as c.1111A>G), located in coding exon 12 of the MUTYH gene, results from an A to G substitution at nucleotide position 1111. The serine at codon 371 is replaced by glycine, an amino acid with similar properties. This amino acid position is conserved. In addition, this alteration is predicted to be tolerated by in silico analysis. Based on the available evidence, the clinical significance of this variant remains unclear.

NM_001048174.2(MUTYH):c.1027A>G (p.Ser343Gly)

Gene: MUTYH (mutY DNA glycosylase; minus strand). Cytogenetic location: 1p34.1.
Variant type: single nucleotide variant.
Coding change: c.1027A>G on transcript NM_001048174.2 (MANE Select); coding-DNA position 1027, A replaced by G.
Protein change: p.Ser343Gly; replaces serine 343 with glycine.
Molecular consequence: missense variant. On other transcripts: non-coding transcript variant (7).
Genome position (GRCh38, 1-based): chr1:45,331,736, T>C on the plus strand (A>G on the coding strand, the complement: MUTYH is on the minus strand). VCF-style: chr1-45331736-T-C. GRCh37 (hg19) VCF-style: chr1-45797408-T-C.
Other names: c.1027A>G, p.Ser343Gly (NM_001048171.2, NM_001048173.2, NM_001407081.1 and 6 more transcripts); c.1030A>G, p.Ser344Gly (NM_001048172.2, NM_001407078.1, NM_001407086.1 and 1 more transcripts); c.1111A>G, p.Ser371Gly (NM_001128425.2); c.1072A>G, p.Ser358Gly (NM_001293190.2); c.1060A>G, p.Ser354Gly (NM_001293191.2, NM_001407077.1, NM_001407069.1); c.751A>G, p.Ser251Gly (NM_001293192.2, NM_001293196.2, NM_001407091.1); c.943A>G, p.Ser315Gly (NM_001407075.1); c.988A>G, p.Ser330Gly (NM_001407079.1); and 5 more; short protein forms S330G, S371G, S251G, S329G, S343G, S350G, S354G, S358G.
Identifiers: ClinVar variation 4112782 (VCV004112782.1).
Genomic context (GRCh38, chr1:45,331,736, plus strand): 5'-GCACCAGCAGAATTTGGGCCCCAAGGGCCCCAGGCTGTTCCAGAACACAGGTGGCAGAGC[T>C]CTCCTCCCTGGGGGGCTTGCGGCTGGCCTTTCTGGGGAAGTTGACCACTCCCAGGGTCTG-3'
Protein context (NP_001041639.1, residues 333-353): KASRKPPREE[Ser343Gly]SATCVLEQPG